The following is an entry in ClinVar:

NM_005267.5(GJA8):c.146A>G (p.Gln49Arg)

Gene: GJA8 (gap junction protein alpha 8; plus strand). Cytogenetic location: 1q21.2.
Variant type: single nucleotide variant.
Coding change: c.146A>G on transcript NM_005267.5 (MANE Select); coding-DNA position 146, A replaced by G.
Protein change: p.Gln49Arg; replaces glutamine 49 with arginine.
Molecular consequence: missense variant.
Genome position (GRCh38, 1-based): chr1:147,908,101, A>G. VCF-style: chr1-147908101-A-G. GRCh37 (hg19) VCF-style: chr1-147380228-A-G.
Other names: short protein forms Q49R.
Identifiers: ClinVar variation 2579501 (VCV002579501.1), dbSNP rs2524889174, ClinGen allele CA342223314.

ClinVar aggregate classification (germline): Uncertain significance (1 of 4 stars; one submission).

Submission:

GeneDx
Classification: Uncertain significance. Last evaluated: 2023-03-06. Review status: criteria provided, single submitter. Criteria: GeneDx Variant Classification Process June 2021. Collection method: clinical testing. Allele origin: germline. Affected: yes.
Comment: Not observed at significant frequency in large population cohorts (gnomAD); In silico analysis supports that this missense variant has a deleterious effect on protein structure/function; Has not been previously published as pathogenic or benign to our knowledge